The following is an entry in ClinVar:

ClinVar aggregate classification (germline): Uncertain significance. Review status: criteria provided, multiple submitters, no conflicts (2 of 4 stars). 7 submissions from 7 submitters: Uncertain significance (6). 1 of the submissions does not count toward it. Last evaluated 2026-03-04.

Conditions:
Hermansky-Pudlak syndrome (HPS). Also called: ALBINISM WITH HEMORRHAGIC DIATHESIS AND PIGMENTED RETICULOENDOTHELIAL CELLS. Identifiers: Orphanet 79430, MedGen C0079504, MONDO:0019312.
Inborn genetic diseases. Identifiers: MedGen C0950123, MeSH D030342.
Hermansky-Pudlak syndrome 3 (HPS3). Identifiers: Orphanet 231512, Orphanet 79430, MedGen C3888001, MONDO:0013555, OMIM 614072.

Allele frequency attached by ClinVar (database versions not stated): gnomAD exomes 0.00034 and 0.00025; ESP Exome Variant Server 0.00038; TOPMed 0.00020; gnomAD 0.00023 and 0.00025; ExAC 0.00027.
gnomAD v4.1: 540 of 1,613,962 alleles (0.033%); highest among the groups gnomAD compares: Non-Finnish European, 0.041%; no homozygotes.

Submissions (7):

Women's Health and Genetics/Laboratory Corporation of America, LabCorp
Classification: Uncertain significance. Last evaluated: 2026-03-04. Review status: criteria provided, single submitter. Criteria: LabCorp Variant Classification Summary - May 2015. Collection method: clinical testing. Allele origin: germline.
Comment: Variant summary: HPS3 c.1136C>T (p.Thr379Met) results in a non-conservative amino acid change in the encoded protein sequence. Algorithms developed to predict the effect of missense changes on protein structure and function are either unavailable or do not agree on the potential impact of this missense change. The variant allele was found at a frequency of 0.00025 in 251376 control chromosomes. This frequency is not significantly higher than estimated for disease-causing variants in HPS3, allowing no conclusion about variant significance. To our knowledge, no occurrence of c.1136C>T in individuals affected with HPS3-related conditions and no experimental evidence demonstrating its impact on protein function have been reported. ClinVar contains an entry for this variant (Variation ID: 343700). Based on the evidence outlined above, the variant was classified as uncertain significance.

GeneDx
Classification: Uncertain significance. Last evaluated: 2024-12-17. Review status: criteria provided, single submitter. Criteria: GeneDx Variant Classification Process June 2021. Collection method: clinical testing. Allele origin: germline. Affected: yes.
Comment: In silico analysis supports that this missense variant has a deleterious effect on protein structure/function; Has not been previously published as pathogenic or benign to our knowledge

Blueprint Genetics
Classification: Uncertain significance. Last evaluated: 2024-11-25. Review status: criteria provided, single submitter. Criteria: ACMG Guidelines, 2015. Collection method: clinical testing. Allele origin: germline.

Ambry Genetics
Classification: Uncertain significance for Inborn genetic diseases. Last evaluated: 2024-07-22. Review status: criteria provided, single submitter. Criteria: Ambry Variant Classification Scheme 2023. Collection method: clinical testing. Allele origin: germline.

Labcorp Genetics (formerly Invitae), Labcorp
Classification: Uncertain significance. Last evaluated: 2022-10-05. Review status: criteria provided, single submitter. Criteria: Invitae Variant Classification Sherloc (09022015). Collection method: clinical testing. Allele origin: germline.
Comment: This sequence change replaces threonine, which is neutral and polar, with methionine, which is neutral and non-polar, at codon 379 of the HPS3 protein (p.Thr379Met). This variant is present in population databases (rs149620802, gnomAD 0.04%). This variant has not been reported in the literature in individuals affected with HPS3-related conditions. ClinVar contains an entry for this variant (Variation ID: 343700). Advanced modeling of protein sequence and biophysical properties (such as structural, functional, and spatial information, amino acid conservation, physicochemical variation, residue mobility, and thermodynamic stability) performed at Invitae indicates that this missense variant is expected to disrupt HPS3 protein function. In summary, the available evidence is currently insufficient to determine the role of this variant in disease. Therefore, it has been classified as a Variant of Uncertain Significance.

Illumina Laboratory Services, Illumina
Classification: Uncertain significance for Hermansky-Pudlak syndrome 3. Last evaluated: 2018-01-12. Review status: criteria provided, single submitter. Criteria: ICSL Variant Classification Criteria 13 December 2019. Collection method: clinical testing. Allele origin: germline.

Natera, Inc.
Classification: Uncertain significance for Hermansky-Pudlak syndrome. Last evaluated: 2019-10-28. Review status: no assertion criteria provided. Collection method: clinical testing. Allele origin: germline. Not counted in ClinVar's aggregate classification.

NM_032383.5(HPS3):c.1136C>T (p.Thr379Met)

Gene: HPS3 (HPS3 biogenesis of lysosomal organelles complex 2 subunit 1; plus strand). Cytogenetic location: 3q24.
Variant type: single nucleotide variant.
Coding change: c.1136C>T on transcript NM_032383.5 (MANE Select); coding-DNA position 1136, C replaced by T.
Protein change: p.Thr379Met; replaces threonine 379 with methionine.
Molecular consequence: missense variant.
Genome position (GRCh38, 1-based): chr3:149,145,519, C>T. VCF-style: chr3-149145519-C-T. GRCh37 (hg19) VCF-style: chr3-148863306-C-T.
Other names: c.641C>T, p.Thr214Met (NM_001308258.2); short protein forms T379M, T214M.
Identifiers: ClinVar variation 343700 (VCV000343700.14), dbSNP rs149620802, ClinGen allele CA2660000.